The following is an entry in ClinVar:

ClinVar aggregate classification (germline): Uncertain significance (1 of 4 stars; one submission).

Submission:

Labcorp Genetics (formerly Invitae), Labcorp
Classification: Uncertain significance. Last evaluated: 2023-01-28. Review status: criteria provided, single submitter. Criteria: Invitae Variant Classification Sherloc (09022015). Collection method: clinical testing. Allele origin: germline.
Comment: This sequence change replaces asparagine, which is neutral and polar, with serine, which is neutral and polar, at codon 501 of the DDX58 protein (p.Asn501Ser). This variant is not present in population databases (gnomAD no frequency). This variant has not been reported in the literature in individuals affected with DDX58-related conditions. Advanced modeling of protein sequence and biophysical properties (such as structural, functional, and spatial information, amino acid conservation, physicochemical variation, residue mobility, and thermodynamic stability) performed at Invitae indicates that this missense variant is not expected to disrupt DDX58 protein function. In summary, the available evidence is currently insufficient to determine the role of this variant in disease. Therefore, it has been classified as a Variant of Uncertain Significance.

NM_014314.4(RIGI):c.1502A>G (p.Asn501Ser)

Gene: RIGI (RNA sensor RIG-I; minus strand). Cytogenetic location: 9p21.1.
Variant type: single nucleotide variant.
Coding change: c.1502A>G on transcript NM_014314.4 (MANE Select); coding-DNA position 1502, A replaced by G.
Protein change: p.Asn501Ser; replaces asparagine 501 with serine.
Molecular consequence: missense variant.
Genome position (GRCh38, 1-based): chr9:32,481,476, T>C on the plus strand (A>G on the coding strand, the complement: RIGI is on the minus strand). VCF-style: chr9-32481476-T-C. GRCh37 (hg19) VCF-style: chr9-32481474-T-C.
Other names: c.1496A>G, p.Asn499Ser (NM_001385907.1); c.1502A>G, p.Asn501Ser (NM_001385909.1); c.1061A>G, p.Asn354Ser (NM_001385910.1); c.893A>G, p.Asn298Ser (NM_001385912.1); c.1487A>G, p.Asn496Ser (NM_001385913.1); c.1058A>G, p.Asn353Ser (NM_001385914.1); short protein forms N501S, N353S, N354S, N298S, N496S, N499S.
Identifiers: ClinVar variation 2867822 (VCV002867822.3), dbSNP rs2489320101, ClinGen allele CA373153353.